The following is an entry in ClinVar:

NM_000059.4(BRCA2):c.6849C>T (p.Pro2283=)

Gene: BRCA2 (BRCA2 DNA repair associated; plus strand). Cytogenetic location: 13q13.1.
Variant type: single nucleotide variant.
Coding change: c.6849C>T on transcript NM_000059.4 (MANE Select); coding-DNA position 6849, C replaced by T.
Protein change: p.Pro2283=; no amino-acid change (proline 2283 retained).
Molecular consequence: synonymous variant.
Genome position (GRCh38, 1-based): chr13:32,344,565, C>T. VCF-style: chr13-32344565-C-T. GRCh37 (hg19) VCF-style: chr13-32918702-C-T.
Identifiers: ClinVar variation 517717 (VCV000517717.14), dbSNP rs1555285139, ClinGen allele CA483275496.

ClinVar aggregate classification (germline): Likely benign. Review status: criteria provided, multiple submitters, no conflicts (2 of 4 stars). 3 submissions from 3 submitters: Likely benign (3). Last evaluated 2024-02-17.

Conditions:
Hereditary cancer-predisposing syndrome. Also called: Tumor predisposition; Hereditary neoplastic syndrome; Neoplastic Syndromes, Hereditary; Hereditary Cancer Syndrome. Identifiers: Orphanet 140162, MedGen C0027672, MeSH D009386, MONDO:0015356.
Hereditary breast ovarian cancer syndrome. Also called: Hereditary breast and ovarian cancer syndrome (HBOC); Hereditary breast and ovarian cancer; Hereditary breast and ovarian cancer syndrome; Breast and ovarian cancer; BRCA1- and BRCA2-Associated Hereditary Breast and Ovarian Cancer; Hereditary breast and/or ovarian cancer syndrome. Identifiers: Orphanet 145, MedGen C0677776, MeSH D061325, MONDO:0003582. Disease mechanism: loss of function.

Submissions (3):

Labcorp Genetics (formerly Invitae), Labcorp
Classification: Likely benign for Hereditary breast ovarian cancer syndrome. Last evaluated: 2024-02-17. Review status: criteria provided, single submitter. Criteria: Invitae Variant Classification Sherloc (09022015). Collection method: clinical testing. Allele origin: germline.

Color Diagnostics, LLC DBA Color Health
Classification: Likely benign for Hereditary cancer-predisposing syndrome. Last evaluated: 2019-09-27. Review status: criteria provided, single submitter. Criteria: ACMG Guidelines, 2015. Collection method: clinical testing. Allele origin: germline.

GeneDx
Classification: Likely benign. Last evaluated: 2017-02-08. Review status: criteria provided, single submitter. Criteria: GeneDx Variant Classification (06012015). Collection method: clinical testing. Allele origin: germline. Affected: yes.
Comment: This variant is considered likely benign or benign based on one or more of the following criteria: it is a conservative change, it occurs at a poorly conserved position in the protein, it is predicted to be benign by multiple in silico algorithms, and/or has population frequency not consistent with disease.